The following is an entry in ClinVar:

ClinVar aggregate classification (germline): Benign/Likely benign. Review status: criteria provided, multiple submitters, no conflicts (2 of 4 stars). 7 submissions from 7 submitters: Benign (3); Likely benign (4). Last evaluated 2026-01-01.

Conditions:
Inborn genetic diseases. Identifiers: MedGen C0950123, MeSH D030342.
Neuropathy, hereditary sensory, type 2C. Also called: Hereditary sensory and autonomic neuropathy type IIC; KIF1A-Related HSAN2 (HSAN2C). Identifiers: Orphanet 970, MedGen C3280168, MONDO:0013634, OMIM 614213.
Hereditary spastic paraplegia 30. Identifiers: Orphanet 101010, MedGen C5235139, MONDO:0012476.
Intellectual disability, autosomal dominant 9 (NESCAVS). Also called: NESCAV SYNDROME; KIF1A-Related Neurodevelopmental Disorder. Identifiers: Orphanet 662367, MedGen C5393830, MONDO:0013656, OMIM 614255.

Allele frequency attached by ClinVar (database versions not stated): ESP Exome Variant Server 0.00008; TOPMed 0.00023; 1000 Genomes Project 0.00080; gnomAD 0.00099 and 0.00100; 1000 Genomes Project 30x 0.00109; ExAC 0.00109; gnomAD exomes 0.00128.
gnomAD v4.1: 839 of 1,608,104 alleles (0.052%); highest among the groups gnomAD compares: East Asian, 0.11%; 1 homozygote.

Submissions (7):

CeGaT Center for Human Genetics Tuebingen
Classification: Likely benign. Last evaluated: 2026-01-01. Review status: criteria provided, single submitter. Criteria: CeGaT Center For Human Genetics Tuebingen Variant Classification Criteria Version 2. Collection method: clinical testing. Allele origin: germline. Affected: yes. Observed: 2 variant alleles.
Comment: KIF1A: BP4, BP7

Labcorp Genetics (formerly Invitae), Labcorp
Classification: Benign for Hereditary spastic paraplegia 30; Neuropathy, hereditary sensory, type 2C; Intellectual disability, autosomal dominant 9. Last evaluated: 2026-01-01. Review status: criteria provided, single submitter. Criteria: Invitae Variant Classification Sherloc (09022015). Collection method: clinical testing. Allele origin: germline.

Blueprint Genetics
Classification: Likely benign. Last evaluated: 2024-10-29. Review status: criteria provided, single submitter. Criteria: ACMG Guidelines, 2015. Collection method: clinical testing. Allele origin: germline.

GeneDx
Classification: Likely benign. Last evaluated: 2021-08-02. Review status: criteria provided, single submitter. Criteria: GeneDx Variant Classification Process June 2021. Collection method: clinical testing. Allele origin: germline. Affected: yes.

Ambry Genetics
Classification: Benign for Inborn genetic diseases. Last evaluated: 2017-05-25. Review status: criteria provided, single submitter. Criteria: Ambry Variant Classification Scheme 2023. Collection method: clinical testing. Allele origin: germline.

Athena Diagnostics
Classification: Benign. Last evaluated: 2016-12-05. Review status: criteria provided, single submitter. Criteria: Athena Diagnostics Criteria. Collection method: clinical testing. Allele origin: germline.

Genetic Services Laboratory, University of Chicago
Classification: Likely benign. Last evaluated: 2015-06-29. Review status: criteria provided, single submitter. Criteria: ACMG Guidelines, 2015. Collection method: clinical testing. Allele origin: germline.

NM_001244008.2(KIF1A):c.4875G>A (p.Pro1625=)

Gene: KIF1A (kinesin family member 1A; minus strand). Cytogenetic location: 2q37.3.
Variant type: single nucleotide variant.
Coding change: c.4875G>A on transcript NM_001244008.2 (MANE Select); coding-DNA position 4875, G replaced by A.
Protein change: p.Pro1625=; no amino-acid change (proline 1625 retained).
Molecular consequence: synonymous variant.
Genome position (GRCh38, 1-based): chr2:240,719,920, C>T on the plus strand (G>A on the coding strand, the complement: KIF1A is on the minus strand). VCF-style: chr2-240719920-C-T. GRCh37 (hg19) VCF-style: chr2-241659337-C-T.
Other names: c.4599G>A, p.Pro1533= (NM_001320705.2, NM_001379649.1); c.4626G>A, p.Pro1542= (NM_001330289.2); c.4674G>A, p.Pro1558= (NM_001330290.2, NM_001379648.1); c.4950G>A, p.Pro1650= (NM_001379631.1); c.4851G>A, p.Pro1617= (NM_001379632.1); c.4848G>A, p.Pro1616= (NM_001379633.1, NM_001379645.1); c.4701G>A, p.Pro1567= (NM_001379634.1); c.4698G>A, p.Pro1566= (NM_001379635.1, NM_001379646.1); and 7 more.
Identifiers: ClinVar variation 211291 (VCV000211291.35), dbSNP rs201418175, ClinGen allele CA207856.